The following is an entry in ClinVar:

ClinVar aggregate classification (germline): Uncertain significance (1 of 4 stars; one submission).

Conditions:
Hereditary cancer-predisposing syndrome. Also called: Neoplastic Syndromes, Hereditary; Tumor predisposition; Hereditary neoplastic syndrome; Hereditary Cancer Syndrome. Identifiers: Orphanet 140162, MedGen C0027672, MeSH D009386, MONDO:0015356.

Submission:

Ambry Genetics
Classification: Uncertain significance for Hereditary cancer-predisposing syndrome. Last evaluated: 2026-07-07. Review status: criteria provided, single submitter. Criteria: Ambry Variant Classification Scheme 2023. Collection method: clinical testing. Allele origin: germline.
Comment: The p.G72V variant (also known as c.215G>T), located in coding exon 2 of the PRKAR1A gene, results from a G to T substitution at nucleotide position 215. The glycine at codon 72 is replaced by valine, an amino acid with dissimilar properties. This amino acid position is conserved. In addition, this alteration is predicted to be tolerated by in silico analysis. Based on the available evidence, the clinical significance of this variant remains unclear.

NM_002734.5(PRKAR1A):c.215G>T (p.Gly72Val)

Gene: PRKAR1A (protein kinase cAMP-dependent type I regulatory subunit alpha; plus strand). Cytogenetic location: 17q24.2.
Variant type: single nucleotide variant.
Coding change: c.215G>T on transcript NM_002734.5 (MANE Select); coding-DNA position 215, G replaced by T.
Protein change: p.Gly72Val; replaces glycine 72 with valine.
Molecular consequence: missense variant.
Genome position (GRCh38, 1-based): chr17:68,522,793, G>T. VCF-style: chr17-68522793-G-T. GRCh37 (hg19) VCF-style: chr17-66518934-G-T.
Other names: c.215G>T, p.Gly72Val (NM_212471.3, NM_212472.2, NM_001276289.2 and 4 more transcripts); short protein forms G72V.
Identifiers: ClinVar variation 5027334 (VCV005027334.1).
Genomic context (GRCh38, chr17:68,522,793, plus strand): 5'-TGCAAACTCGTAATTTCTTTCAGGAGGAGGCAAAACAGATTCAGAATCTGCAGAAAGCAG[G>T]CACTCGTACAGACTCAAGGGAGGATGAGATTTCTCCTCCTCCACCCAACCCAGTGGTTAA-3'
Protein context (NP_002725.1, residues 62-82): AKQIQNLQKA[Gly72Val]TRTDSREDEI